The following is an entry in ClinVar:

NM_000969.5(RPL5):c.320G>A (p.Arg107His)

Genes: DIPK1A (divergent protein kinase domain 1A; minus strand), RPL5 (ribosomal protein L5; plus strand). Cytogenetic location: 1p22.1.
Variant type: single nucleotide variant.
Coding change: c.320G>A on transcript NM_000969.5 (MANE Select); coding-DNA position 320, G replaced by A.
Protein change: p.Arg107His; replaces arginine 107 with histidine.
Molecular consequence: missense variant. On other transcripts: intron variant (1).
Genome position (GRCh38, 1-based): chr1:92,834,909, G>A. VCF-style: chr1-92834909-G-A. GRCh37 (hg19) VCF-style: chr1-93300466-G-A.
Other names: c.475-1875C>T (NM_001252273.2); short protein forms R107H.
Identifiers: ClinVar variation 940741 (VCV000940741.11), dbSNP rs751845365, ClinGen allele CA952432.

ClinVar aggregate classification (germline): Uncertain significance. Review status: criteria provided, multiple submitters, no conflicts (2 of 4 stars). 2 submissions from 2 submitters: Uncertain significance (2). Last evaluated 2024-06-14.

Conditions:
Diamond-Blackfan anemia. Also called: Blackfan Diamond syndrome; Aregenerative anemia chronic congenital; Red cell aplasia, pure hereditary; Congenital hypoplastic anemia; Aase syndrome. Identifiers: Orphanet 124, MedGen C1260899, MeSH D029503, MONDO:0015253, HP:0004810.
Diamond-Blackfan anemia 6 (DBA6). Also called: RPL5-Related Diamond-Blackfan Anemia. Identifiers: Orphanet 124, MedGen C2931850, MONDO:0012937, OMIM 612561.

Allele frequency attached by ClinVar (database versions not stated): TOPMed 0.00001; gnomAD exomes 0.00001 and 0.00003; ExAC 0.00002.
gnomAD v4.1: 20 of 1,600,938 alleles (0.0012%); highest among the groups gnomAD compares: East Asian, 0.0022%; no homozygotes.

Submissions (2):

Fulgent Genetics
Classification: Uncertain significance for Diamond-Blackfan anemia 6. Last evaluated: 2024-06-14. Review status: criteria provided, single submitter. Criteria: ACMG Guidelines, 2015. Collection method: clinical testing. Allele origin: germline.

Labcorp Genetics (formerly Invitae), Labcorp
Classification: Uncertain significance for Diamond-Blackfan anemia. Last evaluated: 2020-02-28. Review status: criteria provided, single submitter. Criteria: Invitae Variant Classification Sherloc (09022015). Collection method: clinical testing. Allele origin: germline.
Comment: In summary, the available evidence is currently insufficient to determine the role of this variant in disease. Therefore, it has been classified as a Variant of Uncertain Significance. Algorithms developed to predict the effect of missense changes on protein structure and function are either unavailable or do not agree on the potential impact of this missense change (SIFT: "Deleterious"; PolyPhen-2: "Benign"; Align-GVGD: "Class C25"). This variant has not been reported in the literature in individuals with RPL5-related conditions. This variant is present in population databases (rs751845365, ExAC 0.02%). This sequence change replaces arginine with histidine at codon 107 of the RPL5 protein (p.Arg107His). The arginine residue is highly conserved and there is a small physicochemical difference between arginine and histidine.